The following is an entry in ClinVar:

ClinVar aggregate classification (germline): Uncertain significance. Review status: criteria provided, single submitter (1 of 4 stars). 2 submissions from 2 submitters: Uncertain significance (1). 1 of the submissions does not count toward it. Last evaluated 2022-09-01.

Conditions:
Intellectual disability. Also called: intellectual disabilities; Intellectual developmental disorder; Intellectual functioning disability. Identifiers: MedGen C3714756, MeSH D008607, MONDO:0001071, HP:0001249.
Neuronal ceroid lipofuscinosis. Also called: Neuronal Ceroid Lipofuscinoses. Identifiers: Orphanet 216, Orphanet 79263, MedGen C0027877, MONDO:0016295. Disease mechanism: loss of function.

Submissions (2):

Labcorp Genetics (formerly Invitae), Labcorp
Classification: Uncertain significance for Neuronal ceroid lipofuscinosis. Last evaluated: 2022-09-01. Review status: criteria provided, single submitter. Criteria: Invitae Variant Classification Sherloc (09022015). Collection method: clinical testing. Allele origin: germline.
Comment: In summary, the available evidence is currently insufficient to determine the role of this variant in disease. Therefore, it has been classified as a Variant of Uncertain Significance. Algorithms developed to predict the effect of sequence changes on RNA splicing suggest that this variant may create or strengthen a splice site. Algorithms developed to predict the effect of missense changes on protein structure and function (SIFT, PolyPhen-2, Align-GVGD) all suggest that this variant is likely to be tolerated. ClinVar contains an entry for this variant (Variation ID: 975367). This variant has not been reported in the literature in individuals affected with CLN5-related conditions. This variant is not present in population databases (gnomAD no frequency). This sequence change replaces alanine, which is neutral and non-polar, with valine, which is neutral and non-polar, at codon 245 of the CLN5 protein (p.Ala245Val).

Centre de Biologie Pathologie Génétique, Centre Hospitalier Universitaire de Lille
Classification: Likely benign for Intellectual disability. Last evaluated: 2019-01-01. Review status: no assertion criteria provided. Collection method: clinical testing. Allele origin: inherited. Affected: yes. Not counted in ClinVar's aggregate classification.

NM_006493.4(CLN5):c.587C>T (p.Ala196Val)

Gene: CLN5 (CLN5 lysosomal BMP synthase; plus strand). Cytogenetic location: 13q22.3.
Variant type: single nucleotide variant.
Coding change: c.587C>T on transcript NM_006493.4 (MANE Select); coding-DNA position 587, C replaced by T.
Protein change: p.Ala196Val; replaces alanine 196 with valine.
Molecular consequence: missense variant. On other transcripts: 3 prime UTR variant (1).
Genome position (GRCh38, 1-based): chr13:77,000,479, C>T. VCF-style: chr13-77000479-C-T. GRCh37 (hg19) VCF-style: chr13-77574614-C-T.
Other names: c.*36C>T (NM_001366624.2); short protein forms A196V.
Identifiers: ClinVar variation 975367 (VCV000975367.7), dbSNP rs2034339472, ClinGen allele CA388311254.